The following is an entry in ClinVar:

ClinVar aggregate classification (germline): Conflicting classifications of pathogenicity. Review status: criteria provided, conflicting classifications (1 of 4 stars). 3 submissions from 3 submitters: Uncertain significance (2); Likely benign (1). Last evaluated 2025-12-02.

Conditions:
Hypogonadotropic hypogonadism 5 with or without anosmia (KAL5). Also called: HYPOGONADOTROPIC HYPOGONADISM 5 WITH ANOSMIA; HYPOGONADOTROPHIC HYPOGONADISM 5 WITHOUT ANOSMIA; CHD7-Related GnRH Deficiency (Kallmann Syndrome 5). Identifiers: Orphanet 478, MedGen C3552553, MONDO:0012880, OMIM 612370. Disease mechanism: loss of function.
CHARGE syndrome (CHARGE). Also called: Coloboma, heart anomaly, choanal atresia, retardation, genital and ear anomalies; CHARGE association; Hall-Hittner syndrome; Hittner Hirsch Kreh syndrome; CHARGE ASSOCIATION--COLOBOMA, HEART ANOMALY, CHOANAL ATRESIA, RETARDATION, GENITAL AND EAR ANOMALIES. Identifiers: Orphanet 138, MedGen C0265354, MONDO:0008965.
Inborn genetic diseases. Identifiers: MedGen C0950123, MeSH D030342.

Allele frequency attached by ClinVar (database versions not stated): ExAC 0.00001; gnomAD exomes 0.00001; gnomAD 0.00003 and 0.00004; TOPMed 0.00005.
gnomAD v4.1: 22 of 1,607,790 alleles (0.0014%); highest among the groups gnomAD compares: African/African-American, 0.0027%; no homozygotes.

Submissions (3):

Labcorp Genetics (formerly Invitae), Labcorp
Classification: Uncertain significance for CHARGE syndrome. Last evaluated: 2025-12-02. Review status: criteria provided, single submitter. Criteria: Invitae Variant Classification Sherloc (09022015). Collection method: clinical testing. Allele origin: germline.
Comment: This sequence change replaces aspartic acid, which is acidic and polar, with asparagine, which is neutral and polar, at codon 1541 of the CHD7 protein (p.Asp1541Asn). The frequency data for this variant in the population databases is considered unreliable, as metrics indicate poor data quality at this position in the gnomAD database. This variant has not been reported in the literature in individuals affected with CHD7-related conditions. ClinVar contains an entry for this variant (Variation ID: 1499058). Invitae Evidence Modeling of protein sequence and biophysical properties (such as structural, functional, and spatial information, amino acid conservation, physicochemical variation, residue mobility, and thermodynamic stability) has been performed for this missense variant. However, the output from this modeling did not meet the statistical confidence thresholds required to predict the impact of this variant on CHD7 protein function. In summary, the available evidence is currently insufficient to determine the role of this variant in disease. Therefore, it has been classified as a Variant of Uncertain Significance.

Ambry Genetics
Classification: Likely benign for Inborn genetic diseases. Last evaluated: 2021-08-02. Review status: criteria provided, single submitter. Criteria: Ambry Variant Classification Scheme 2023. Collection method: clinical testing. Allele origin: germline.

Fulgent Genetics
Classification: Uncertain significance for CHD7-related CHARGE syndrome; Hypogonadotropic hypogonadism 5 with or without anosmia. Last evaluated: 2021-07-06. Review status: criteria provided, single submitter. Criteria: ACMG Guidelines, 2015. Collection method: clinical testing. Allele origin: unknown.

NM_017780.4(CHD7):c.4621G>A (p.Asp1541Asn)

Gene: CHD7 (chromodomain helicase DNA binding protein 7; plus strand). Cytogenetic location: 8q12.2.
Variant type: single nucleotide variant.
Coding change: c.4621G>A on transcript NM_017780.4 (MANE Select); coding-DNA position 4621, G replaced by A.
Protein change: p.Asp1541Asn; replaces aspartic acid 1541 with asparagine.
Molecular consequence: missense variant. On other transcripts: intron variant (1).
Genome position (GRCh38, 1-based): chr8:60,841,731, G>A. VCF-style: chr8-60841731-G-A. GRCh37 (hg19) VCF-style: chr8-61754290-G-A.
Other names: c.1717-20498G>A (NM_001316690.1); short protein forms D1541N.
Identifiers: ClinVar variation 1499058 (VCV001499058.9), dbSNP rs767513261, ClinGen allele CA4760151.
Genomic context (GRCh38, chr8:60,841,731, plus strand): 5'-ACAGATATTTCCTTGGATGATCCAAATTTCTGGCAAAAGTGGGCTAAGAAGGCTGAATTG[G>A]ATATTGATGCCTTAAATGGGAGGGTGAGTAAGAAGTCCCATTCGAACACCTATCTGATCT-3'
Protein context (NP_060250.2, residues 1531-1551): WQKWAKKAEL[Asp1541Asn]IDALNGRNNL